The following is an entry in ClinVar:

NM_001853.4(COL9A3):c.2005G>A (p.Gly669Arg)

Gene: COL9A3 (collagen type IX alpha 3 chain; plus strand). Cytogenetic location: 20q13.33.
Variant type: single nucleotide variant.
Coding change: c.2005G>A on transcript NM_001853.4 (MANE Select); coding-DNA position 2005, G replaced by A.
Protein change: p.Gly669Arg; replaces glycine 669 with arginine.
Molecular consequence: missense variant.
Genome position (GRCh38, 1-based): chr20:62,840,682, G>A. VCF-style: chr20-62840682-G-A. GRCh37 (hg19) VCF-style: chr20-61472034-G-A.
Other names: short protein forms G669R.
Identifiers: ClinVar variation 3696988 (VCV003696988.2).

ClinVar aggregate classification (germline): Uncertain significance (1 of 4 stars; one submission).

Submission:

Labcorp Genetics (formerly Invitae), Labcorp
Classification: Uncertain significance. Last evaluated: 2025-06-02. Review status: criteria provided, single submitter. Criteria: Invitae Variant Classification Sherloc (09022015). Collection method: clinical testing. Allele origin: germline.
Comment: This sequence change replaces glycine, which is neutral and non-polar, with arginine, which is basic and polar, at codon 669 of the COL9A3 protein (p.Gly669Arg). This variant is not present in population databases (gnomAD no frequency). This variant has not been reported in the literature in individuals affected with COL9A3-related conditions. ClinVar contains an entry for this variant (Variation ID: 3696988). Invitae Evidence Modeling of protein sequence and biophysical properties (such as structural, functional, and spatial information, amino acid conservation, physicochemical variation, residue mobility, and thermodynamic stability) indicates that this missense variant is not expected to disrupt COL9A3 protein function with a negative predictive value of 95%. In summary, the available evidence is currently insufficient to determine the role of this variant in disease. Therefore, it has been classified as a Variant of Uncertain Significance.